The following is an entry in ClinVar:

ClinVar aggregate classification (germline): Uncertain significance (1 of 4 stars; one submission).

Conditions:
Hereditary cancer-predisposing syndrome. Also called: Neoplastic Syndromes, Hereditary; Tumor predisposition; Hereditary neoplastic syndrome; Hereditary Cancer Syndrome. Identifiers: Orphanet 140162, MedGen C0027672, MeSH D009386, MONDO:0015356.
Cardiovascular phenotype. Identifiers: MedGen CN230736.

Allele frequency attached by ClinVar (database versions not stated): gnomAD exomes below 0.00001.
gnomAD v4.1: 1 of 1,614,034 alleles (0.000062%); highest among the groups gnomAD compares: Non-Finnish European, 0.000085%; no homozygotes.

Submission:

Ambry Genetics
Classification: Uncertain significance for Cardiovascular phenotype; Hereditary cancer-predisposing syndrome. Last evaluated: 2023-05-04. Review status: criteria provided, single submitter. Criteria: Ambry Variant Classification Scheme 2023. Collection method: clinical testing. Allele origin: germline.
Comment: The p.G255D variant (also known as c.764G>A), located in coding exon 8 of the NF1 gene, results from a G to A substitution at nucleotide position 764. The glycine at codon 255 is replaced by aspartic acid, an amino acid with similar properties. This amino acid position is conserved. In addition, the in silico prediction for this alteration is inconclusive. Since supporting evidence is limited at this time, the clinical significance of this alteration remains unclear.

NM_001042492.3(NF1):c.764G>A (p.Gly255Asp)

Gene: NF1 (neurofibromin 1; plus strand). Cytogenetic location: 17q11.2.
Variant type: single nucleotide variant.
Coding change: c.764G>A on transcript NM_001042492.3 (MANE Select); coding-DNA position 764, G replaced by A.
Protein change: p.Gly255Asp; replaces glycine 255 with aspartic acid.
Molecular consequence: missense variant.
Genome position (GRCh38, 1-based): chr17:31,182,541, G>A. VCF-style: chr17-31182541-G-A. GRCh37 (hg19) VCF-style: chr17-29509559-G-A.
Other names: c.764G>A, p.Gly255Asp (NM_000267.4, NM_001128147.3); short protein forms G255D.
Identifiers: ClinVar variation 3237951 (VCV003237951.1), dbSNP rs2544753346.